The following is an entry in ClinVar:

ClinVar aggregate classification (germline): Uncertain significance. Review status: criteria provided, multiple submitters, no conflicts (2 of 4 stars). 3 submissions from 3 submitters: Uncertain significance (3). Last evaluated 2026-01-05.

Conditions:
Inborn genetic diseases. Identifiers: MedGen C0950123, MeSH D030342.
Alpha thalassemia-X-linked intellectual disability syndrome (ATRX). Also called: ALPHA-THALASSEMIA/MENTAL RETARDATION SYNDROME, X-LINKED; ATR, NONDELETION TYPE; X-linked alpha-thalassemia-mental retardation syndrome; ALPHA-THALASSEMIA/IMPAIRED INTELLECTUAL DEVELOPMENT SYNDROME, X-LINKED; ATR-X syndrome; Alpha thalassemia mental retardation syndrome, nondeletion type, X-linked. Identifiers: Orphanet 847, MedGen C1845055, MONDO:0010519, OMIM 301040.

Allele frequency attached by ClinVar (database versions not stated): TOPMed 0.00002.

Submissions (3):

Labcorp Genetics (formerly Invitae), Labcorp
Classification: Uncertain significance for Alpha thalassemia-X-linked intellectual disability syndrome. Last evaluated: 2026-01-05. Review status: criteria provided, single submitter. Criteria: Invitae Variant Classification Sherloc (09022015). Collection method: clinical testing. Allele origin: germline.
Comment: This sequence change replaces lysine, which is basic and polar, with asparagine, which is neutral and polar, at codon 1182 of the ATRX protein (p.Lys1182Asn). This variant is not present in population databases (gnomAD no frequency). This variant has not been reported in the literature in individuals affected with ATRX-related conditions. ClinVar contains an entry for this variant (Variation ID: 465054). Invitae Evidence Modeling of protein sequence and biophysical properties (such as structural, functional, and spatial information, amino acid conservation, physicochemical variation, residue mobility, and thermodynamic stability) indicates that this missense variant is not expected to disrupt ATRX protein function with a negative predictive value of 95%. In summary, the available evidence is currently insufficient to determine the role of this variant in disease. Therefore, it has been classified as a Variant of Uncertain Significance.

GeneDx
Classification: Uncertain significance. Last evaluated: 2024-12-22. Review status: criteria provided, single submitter. Criteria: GeneDx Variant Classification Process June 2021. Collection method: clinical testing. Allele origin: germline. Affected: yes.
Comment: Not observed at significant frequency in large population cohorts (gnomAD); In silico analysis indicates that this missense variant does not alter protein structure/function; Has not been previously published as pathogenic or benign to our knowledge

Ambry Genetics
Classification: Uncertain significance for Inborn genetic diseases. Last evaluated: 2018-06-05. Review status: criteria provided, single submitter. Criteria: Ambry Variant Classification Scheme 2023. Collection method: clinical testing. Allele origin: germline.
Comment: The p.K1182N variant (also known as c.3546G>C), located in coding exon 9 of the ATRX gene, results from a G to C substitution at nucleotide position 3546. The lysine at codon 1182 is replaced by asparagine, an amino acid with similar properties. This amino acid position is highly conserved in available vertebrate species. In addition, this alteration is predicted to be tolerated by in silico analysis. Since supporting evidence is limited at this time, the clinical significance of this alteration remains unclear.

NM_000489.6(ATRX):c.3546G>C (p.Lys1182Asn)

Gene: ATRX (ATRX chromatin remodeler; minus strand). Cytogenetic location: Xq21.1.
Variant type: single nucleotide variant.
Coding change: c.3546G>C on transcript NM_000489.6 (MANE Select); coding-DNA position 3546, G replaced by C.
Protein change: p.Lys1182Asn; replaces lysine 1182 with asparagine.
Molecular consequence: missense variant.
Genome position (GRCh38, 1-based): chrX:77,681,710, C>G on the plus strand (G>C on the coding strand, the complement: ATRX is on the minus strand). VCF-style: chrX-77681710-C-G. GRCh37 (hg19) VCF-style: chrX-76937202-C-G.
Other names: c.3432G>C, p.Lys1144Asn (NM_138270.5); short protein forms K1182N, K1144N.
Identifiers: ClinVar variation 465054 (VCV000465054.16), dbSNP rs1490780716, ClinGen allele CA413706252.